The following is an entry in ClinVar:

ClinVar aggregate classification (germline): Uncertain significance (1 of 4 stars; one submission).

Allele frequency attached by ClinVar (database versions not stated): gnomAD exomes below 0.00001; TOPMed below 0.00001.
gnomAD v4.1: 2 of 1,613,812 alleles (0.00012%); highest among the groups gnomAD compares: Admixed American, 0.0017%; no homozygotes.

Submission:

Labcorp Genetics (formerly Invitae), Labcorp
Classification: Uncertain significance. Last evaluated: 2025-04-16. Review status: criteria provided, single submitter. Criteria: Invitae Variant Classification Sherloc (09022015). Collection method: clinical testing. Allele origin: germline.
Comment: This sequence change replaces isoleucine, which is neutral and non-polar, with leucine, which is neutral and non-polar, at codon 375 of the MTTP protein (p.Ile375Leu). This variant is present in population databases (no rsID available, gnomAD 0.003%). This variant has not been reported in the literature in individuals affected with MTTP-related conditions. ClinVar contains an entry for this variant (Variation ID: 1417933). Invitae Evidence Modeling of protein sequence and biophysical properties (such as structural, functional, and spatial information, amino acid conservation, physicochemical variation, residue mobility, and thermodynamic stability) indicates that this missense variant is not expected to disrupt MTTP protein function with a negative predictive value of 80%. In summary, the available evidence is currently insufficient to determine the role of this variant in disease. Therefore, it has been classified as a Variant of Uncertain Significance.

NM_001386140.1(MTTP):c.1123A>C (p.Ile375Leu)

Gene: MTTP (microsomal triglyceride transfer protein; plus strand). Cytogenetic location: 4q23.
Variant type: single nucleotide variant.
Coding change: c.1123A>C on transcript NM_001386140.1 (MANE Select); coding-DNA position 1123, A replaced by C.
Protein change: p.Ile375Leu; replaces isoleucine 375 with leucine.
Molecular consequence: missense variant.
Genome position (GRCh38, 1-based): chr4:99,600,620, A>C. VCF-style: chr4-99600620-A-C. GRCh37 (hg19) VCF-style: chr4-100521777-A-C.
Other names: c.1123A>C, p.Ile375Leu (NM_000253.4); c.874A>C, p.Ile292Leu (NM_001300785.2); short protein forms I292L, I375L.
Identifiers: ClinVar variation 1417933 (VCV001417933.8), dbSNP rs200603639, ClinGen allele CA357508069.